The following is an entry in ClinVar:

NM_000400.4(ERCC2):c.657C>G (p.Asp219Glu)

Gene: ERCC2 (ERCC excision repair 2, TFIIH core complex helicase subunit; minus strand). Cytogenetic location: 19q13.32.
Variant type: single nucleotide variant.
Coding change: c.657C>G on transcript NM_000400.4 (MANE Select); coding-DNA position 657, C replaced by G.
Protein change: p.Asp219Glu; replaces aspartic acid 219 with glutamic acid.
Molecular consequence: missense variant.
Genome position (GRCh38, 1-based): chr19:45,364,485, G>C on the plus strand (C>G on the coding strand, the complement: ERCC2 is on the minus strand). VCF-style: chr19-45364485-G-C. GRCh37 (hg19) VCF-style: chr19-45867743-G-C.
Other names: c.585C>G, p.Asp195Glu (NM_001130867.2); short protein forms D195E, D219E.
Identifiers: ClinVar variation 1498336 (VCV001498336.12), dbSNP rs1050709482, ClinGen allele CA406374390.

ClinVar aggregate classification (germline): Uncertain significance. Review status: criteria provided, multiple submitters, no conflicts (2 of 4 stars). 3 submissions from 3 submitters: Uncertain significance (3). Last evaluated 2026-02-01.

Conditions:
Inborn genetic diseases. Identifiers: MedGen C0950123, MeSH D030342.

Submissions (3):

CeGaT Center for Human Genetics Tuebingen
Classification: Uncertain significance. Last evaluated: 2026-02-01. Review status: criteria provided, single submitter. Criteria: CeGaT Center For Human Genetics Tuebingen Variant Classification Criteria Version 2. Collection method: clinical testing. Allele origin: germline. Affected: yes. Observed: 1 variant allele.
Comment: ERCC2: PM2

Labcorp Genetics (formerly Invitae), Labcorp
Classification: Uncertain significance. Last evaluated: 2024-12-02. Review status: criteria provided, single submitter. Criteria: Invitae Variant Classification Sherloc (09022015). Collection method: clinical testing. Allele origin: germline.
Comment: This sequence change replaces aspartic acid, which is acidic and polar, with glutamic acid, which is acidic and polar, at codon 219 of the ERCC2 protein (p.Asp219Glu). This variant is not present in population databases (gnomAD no frequency). This variant has not been reported in the literature in individuals affected with ERCC2-related conditions. ClinVar contains an entry for this variant (Variation ID: 1498336). Invitae Evidence Modeling of protein sequence and biophysical properties (such as structural, functional, and spatial information, amino acid conservation, physicochemical variation, residue mobility, and thermodynamic stability) indicates that this missense variant is not expected to disrupt ERCC2 protein function with a negative predictive value of 80%. In summary, the available evidence is currently insufficient to determine the role of this variant in disease. Therefore, it has been classified as a Variant of Uncertain Significance.

Ambry Genetics
Classification: Uncertain significance for Inborn genetic diseases. Last evaluated: 2022-01-04. Review status: criteria provided, single submitter. Criteria: Ambry Variant Classification Scheme 2023. Collection method: clinical testing. Allele origin: germline.
Comment: The p.D219E variant (also known as c.657C>G), located in coding exon 8 of the ERCC2 gene, results from a C to G substitution at nucleotide position 657. The aspartic acid at codon 219 is replaced by glutamic acid, an amino acid with highly similar properties. This amino acid position is conserved. In addition, this alteration is predicted to be tolerated by in silico analysis. Since supporting evidence is limited at this time, the clinical significance of this alteration remains unclear.